The following is an entry in ClinVar:

NM_001370259.2(MEN1):c.1013T>C (p.Leu338Pro)

Gene: MEN1 (menin 1; minus strand). Cytogenetic location: 11q13.1.
Variant type: single nucleotide variant.
Coding change: c.1013T>C on transcript NM_001370259.2 (MANE Select); coding-DNA position 1013, T replaced by C.
Protein change: p.Leu338Pro; replaces leucine 338 with proline.
Molecular consequence: missense variant.
Genome position (GRCh38, 1-based): chr11:64,806,268, A>G on the plus strand (T>C on the coding strand, the complement: MEN1 is on the minus strand). VCF-style: chr11-64806268-A-G. GRCh37 (hg19) VCF-style: chr11-64573740-A-G.
Other names: c.1028T>C, p.Leu343Pro (NM_000244.4, NM_130800.3, NM_130801.3 and 3 more transcripts); c.1013T>C, p.Leu338Pro (NM_001370251.2, NM_001370260.2, NM_001370261.2 and 1 more transcripts); c.908T>C, p.Leu303Pro (NM_001370262.2, NM_001370263.2); short protein forms L338P, L343P, L303P.
Identifiers: ClinVar variation 428016 (VCV000428016.8), dbSNP rs1114167480, ClinGen allele CA381183249.

ClinVar aggregate classification (germline): Likely pathogenic. Review status: criteria provided, multiple submitters, no conflicts (2 of 4 stars). 3 submissions from 3 submitters: Likely pathogenic (3). Last evaluated 2024-04-01.

Conditions:
Hereditary cancer-predisposing syndrome. Also called: Hereditary Cancer Syndrome; Neoplastic Syndromes, Hereditary; Hereditary neoplastic syndrome; Tumor predisposition. Identifiers: Orphanet 140162, MedGen C0027672, MeSH D009386, MONDO:0015356.

Submissions (3):

ARUP Laboratories, Molecular Genetics and Genomics, ARUP Laboratories
Classification: Likely pathogenic. Last evaluated: 2024-04-01. Review status: criteria provided, single submitter. Criteria: ARUP Molecular Germline Variant Investigation Process 2024. Collection method: clinical testing. Allele origin: germline.
Comment: The MEN1 c.1013T>C; p.Leu338Pro variant (rs1114167480) is reported in the literature in individuals affected with multiple endocrine neoplasia, type 1 (Koyama 2022, Tham 2007). This variant was also found to segregate in family members affected with hyperparathyroidism and insulinoma (Koyama 2022, Tham 2007). This variant is also reported in ClinVar (Variation ID: 428016) and is absent from the Genome Aggregation Database (v2.1.1), indicating it is not a common polymorphism. Computational analyses predict that this variant is deleterious (REVEL: 0.937). Based on available information, this variant is considered to be likely pathogenic. References: Koyama N et al. Multiple Endocrine Neoplasia Type 1 with Functional Parathyroid Cysts. Intern Med. 2022 Apr 15;61(8):1183-1188. PMID: 34645755. Tham E et al. Clinical testing for mutations in the MEN1 gene in Sweden: a report on 200 unrelated cases. J Clin Endocrinol Metab. 2007 Sep;92(9):3389-95. PMID: 17623761.

GeneDx
Classification: Likely pathogenic. Last evaluated: 2017-05-08. Review status: criteria provided, single submitter. Criteria: GeneDx Variant Classification (06012015). Collection method: clinical testing. Allele origin: germline. Affected: yes.
Comment: The L338P variant in the MEN1 gene has previously been published in at least one individual with multiple endocrine neoplasia type 1 (Tham et al., 2007). This variant is not observed in large population cohorts (Lek et al., 2016; 1000 Genomes Consortium et al., 2015; Exome Variant Server). The L338P variant is a semi-conservative amino acid substitution, which may impact secondary protein structure as these residues differ in some properties. This substitution occurs at a position that is conserved across species, and is located within the region of interaction with FANCD2 (Uniprot). In silico analysis predicts this variant is probably damaging to the protein structure/function. Based on currently available evidence, L338P is a strong candidate for a pathogenic variant. However, the possibility it is a rare benign variant cannot be excluded.

Ambry Genetics
Classification: Likely pathogenic for Hereditary cancer-predisposing syndrome. Last evaluated: 2016-04-21. Review status: criteria provided, single submitter. Criteria: Ambry Variant Classification Scheme 2023. Collection method: clinical testing. Allele origin: germline.
Comment: The p.L338P variant (also known as c.1013T>C) is located in coding exon 6 of the MEN1 gene. This alteration results from a T to C substitution at nucleotide position 1013. The leucine at codon 338 is replaced by proline, an amino acid with similar properties. In a study of 200 unrelated Swedish index cases, this variant was reported in three affected members of one family. The proband was diagnosed with primary hyperparathyroidism with hyperplasia, an endocrine enteropancreatic gastrinoma, and an anterior pituitary tumor. The family members were diagnosed with hyperparathyriodism and insulinoma (Tham et al. J of Clinical Endocrinology & Metab. 2007. 92(9):3389-3395). This variant was not reported in population-based cohorts in the following databases: Database of Single Nucleotide Polymorphisms (dbSNP), NHLBI Exome Sequencing Project (ESP) and 1000 Genomes Project. To date, this alteration has been detected with an allele frequency of approximately 0.01% (greater than 7000 alleles tested) in our clinical cohort. Based on protein sequence alignment, this amino acid position is highly conserved in available vertebrate species. In addition, this alteration is predicted to be deleterious by in silico analysis. Based on the majority of available evidence to date, this variant is likely to be pathogenic.